The following is an entry in ClinVar:

ClinVar aggregate classification (germline): Uncertain significance. Review status: criteria provided, multiple submitters, no conflicts (2 of 4 stars). 2 submissions from 2 submitters: Uncertain significance (2). Last evaluated 2026-04-09.

Conditions:
Hereditary cancer-predisposing syndrome. Also called: Tumor predisposition; Neoplastic Syndromes, Hereditary; Hereditary Cancer Syndrome; Hereditary neoplastic syndrome. Identifiers: Orphanet 140162, MedGen C0027672, MeSH D009386, MONDO:0015356.

gnomAD v4.1: 1 of 1,611,002 alleles (0.000062%); highest among the groups gnomAD compares: Non-Finnish European, 0.000085%; no homozygotes.

Submissions (2):

Ambry Genetics
Classification: Uncertain significance for Hereditary cancer-predisposing syndrome. Last evaluated: 2026-04-09. Review status: criteria provided, single submitter. Criteria: Ambry Variant Classification Scheme 2023. Collection method: clinical testing. Allele origin: germline.
Comment: The p.C290Y variant (also known as c.869G>A), located in coding exon 6 of the NTHL1 gene, results from a G to A substitution at nucleotide position 869. The cysteine at codon 290 is replaced by tyrosine, an amino acid with highly dissimilar properties. This amino acid position is conserved. In addition, this alteration is predicted to be deleterious by in silico analysis. Based on the available evidence, the clinical significance of this variant remains unclear.

Labcorp Genetics (formerly Invitae), Labcorp
Classification: Uncertain significance. Last evaluated: 2021-03-29. Review status: criteria provided, single submitter. Criteria: Invitae Variant Classification Sherloc (09022015). Collection method: clinical testing. Allele origin: germline.
Comment: This variant is not present in population databases (ExAC no frequency). This sequence change replaces cysteine with tyrosine at codon 290 of the NTHL1 protein (p.Cys290Tyr). The cysteine residue is highly conserved and there is a large physicochemical difference between cysteine and tyrosine. This variant has not been reported in the literature in individuals with NTHL1-related conditions. Algorithms developed to predict the effect of missense changes on protein structure and function are either unavailable or do not agree on the potential impact of this missense change (SIFT: "Not Available"; PolyPhen-2: "Probably Damaging"; Align-GVGD: "Not Available"). In summary, the available evidence is currently insufficient to determine the role of this variant in disease. Therefore, it has been classified as a Variant of Uncertain Significance.

NM_002528.7(NTHL1):c.845G>A (p.Cys282Tyr)

Gene: NTHL1 (nth like DNA glycosylase 1; minus strand). Cytogenetic location: 16p13.3.
Variant type: single nucleotide variant.
Coding change: c.845G>A on transcript NM_002528.7 (MANE Select); coding-DNA position 845, G replaced by A.
Protein change: p.Cys282Tyr; replaces cysteine 282 with tyrosine.
Molecular consequence: missense variant.
Genome position (GRCh38, 1-based): chr16:2,039,994, C>T on the plus strand (G>A on the coding strand, the complement: NTHL1 is on the minus strand). VCF-style: chr16-2039994-C-T. GRCh37 (hg19) VCF-style: chr16-2089995-C-T.
Other names: c.869G>A (NM_002528.5); c.674G>A, p.Cys225Tyr (NM_001318193.2); c.515G>A, p.Cys172Tyr (NM_001318194.2); short protein forms C172Y, C225Y, C282Y.
Identifiers: ClinVar variation 1497741 (VCV001497741.7), dbSNP rs2150937877, ClinGen allele CA394287263.